The following is an entry in ClinVar:

NM_004973.4(JARID2):c.3194T>C (p.Ile1065Thr)

Gene: JARID2 (jumonji and AT-rich interaction domain containing 2; plus strand). Cytogenetic location: 6p22.3.
Variant type: single nucleotide variant.
Coding change: c.3194T>C on transcript NM_004973.4 (MANE Select); coding-DNA position 3194, T replaced by C.
Protein change: p.Ile1065Thr; replaces isoleucine 1065 with threonine.
Molecular consequence: missense variant.
Genome position (GRCh38, 1-based): chr6:15,512,973, T>C. VCF-style: chr6-15512973-T-C. GRCh37 (hg19) VCF-style: chr6-15513204-T-C.
Other names: c.2678T>C, p.Ile893Thr (NM_001267040.1); short protein forms I1065T, I893T.
Identifiers: ClinVar variation 4056512 (VCV004056512.1).

ClinVar aggregate classification (germline): Uncertain significance (1 of 4 stars; one submission).

Conditions:
Developmental delay with variable intellectual disability and dysmorphic facies. Identifiers: MedGen C5774242, MONDO:0859306, OMIM 620098.

gnomAD v4.1: 3 of 1,613,528 alleles (0.00019%); highest among the groups gnomAD compares: Non-Finnish European, 0.000085%; no homozygotes.

Submission:

Laboratorio de Genetica e Diagnostico Molecular, Hospital Israelita Albert Einstein
Classification: Uncertain significance for Developmental delay with variable intellectual disability and dysmorphic facies. Last evaluated: 2024-11-17. Review status: criteria provided, single submitter. Criteria: ACMG Guidelines, 2015. Collection method: clinical testing. Allele origin: germline. Affected: yes.
Comment: ACMG classification criteria: PM2 supporting, PP2 supporting